The following is an entry in ClinVar:

ClinVar aggregate classification (germline): Likely benign. Review status: criteria provided, multiple submitters, no conflicts (2 of 4 stars). 5 submissions from 5 submitters: Likely benign (5). Last evaluated 2025-12-24.

Conditions:
TTN-related disorder. Also called: TTN-related condition; TTN-related disease; TTN-related disorders.
Autosomal recessive limb-girdle muscular dystrophy type 2J (LGMDR10). Also called: Limb-girdle muscular dystrophy, type 2J; MUSCULAR DYSTROPHY, LIMB-GIRDLE, AUTOSOMAL RECESSIVE 10. Identifiers: Orphanet 140922, MedGen C1837342, MONDO:0012127, OMIM 608807.
Dilated cardiomyopathy 1G (CMD1G). Identifiers: Orphanet 154, MedGen C1858763, MONDO:0011400, OMIM 604145.
Cardiovascular phenotype. Identifiers: MedGen CN230736.

Allele frequency attached by ClinVar (database versions not stated): gnomAD exomes 0.00002 and 0.00006; gnomAD 0.00003; TOPMed 0.00005; ExAC 0.00007.
gnomAD v4.1: 45 of 1,613,686 alleles (0.0028%); highest among the groups gnomAD compares: Admixed American, 0.005%; no homozygotes.

Submissions (5):

Labcorp Genetics (formerly Invitae), Labcorp
Classification: Likely benign for Dilated cardiomyopathy 1G; Autosomal recessive limb-girdle muscular dystrophy type 2J. Last evaluated: 2025-12-24. Review status: criteria provided, single submitter. Criteria: Invitae Variant Classification Sherloc (09022015). Collection method: clinical testing. Allele origin: germline.

PreventionGenetics, part of Exact Sciences
Classification: Likely benign for TTN-related condition. Last evaluated: 2025-09-04. Review status: criteria provided, single submitter. Criteria: ACMG Guidelines, 2015. Collection method: clinical testing. Allele origin: germline.
Comment: This variant is classified as likely benign based on ACMG/AMP sequence variant interpretation guidelines (Richards et al. 2015 PMID: 25741868, with internal and published modifications).

Women's Health and Genetics/Laboratory Corporation of America, LabCorp
Classification: Likely benign. Last evaluated: 2025-06-07. Review status: criteria provided, single submitter. Criteria: LabCorp Variant Classification Summary - May 2015. Collection method: clinical testing. Allele origin: germline.

Ambry Genetics
Classification: Likely benign for Cardiovascular phenotype. Last evaluated: 2022-06-14. Review status: criteria provided, single submitter. Criteria: Ambry Variant Classification Scheme 2023. Collection method: clinical testing. Allele origin: germline.

GeneDx
Classification: Likely benign. Last evaluated: 2019-03-25. Review status: criteria provided, single submitter. Criteria: GeneDx Variant Classification Process June 2021. Collection method: clinical testing. Allele origin: germline. Affected: yes.

NM_001267550.2(TTN):c.90747T>C (p.Pro30249=)

Genes: TTN (titin; minus strand), TTN-AS1 (TTN antisense RNA 1; plus strand). Cytogenetic location: 2q31.2.
Variant type: single nucleotide variant.
Coding change: c.90747T>C on transcript NM_001267550.2 (MANE Select); coding-DNA position 90747, T replaced by C.
Protein change: p.Pro30249=; no amino-acid change (proline 30249 retained).
Molecular consequence: synonymous variant.
Genome position (GRCh38, 1-based): chr2:178,552,153, A>G on the plus strand (T>C on the coding strand, the complement: TTN is on the minus strand). VCF-style: chr2-178552153-A-G. GRCh37 (hg19) VCF-style: chr2-179416880-A-G.
Other names: c.85824T>C, p.Pro28608= (NM_001256850.1); c.63552T>C, p.Pro21184= (NM_003319.4); c.83043T>C, p.Pro27681= (NM_133378.4); c.63927T>C, p.Pro21309= (NM_133432.3); c.64128T>C, p.Pro21376= (NM_133437.4).
Identifiers: ClinVar variation 1144998 (VCV001144998.14), dbSNP rs765024828, ClinGen allele CA1987750.